The following is an entry in ClinVar:

NM_002528.7(NTHL1):c.383T>C (p.Leu128Pro)

Gene: NTHL1 (nth like DNA glycosylase 1; minus strand). Cytogenetic location: 16p13.3.
Variant type: single nucleotide variant.
Coding change: c.383T>C on transcript NM_002528.7 (MANE Select); coding-DNA position 383, T replaced by C.
Protein change: p.Leu128Pro; replaces leucine 128 with proline.
Molecular consequence: missense variant. On other transcripts: intron variant (1).
Genome position (GRCh38, 1-based): chr16:2,044,772, A>G on the plus strand (T>C on the coding strand, the complement: NTHL1 is on the minus strand). VCF-style: chr16-2044772-A-G. GRCh37 (hg19) VCF-style: chr16-2094773-A-G.
Other names: c.355-1046T>C (NM_001318193.2); c.53T>C, p.Leu18Pro (NM_001318194.2); short protein forms L18P, L128P.
Identifiers: ClinVar variation 1737619 (VCV001737619.4), dbSNP rs2548316418, ClinGen allele CA394294675.

ClinVar aggregate classification (germline): Uncertain significance. Review status: criteria provided, multiple submitters, no conflicts (2 of 4 stars). 2 submissions from 2 submitters: Uncertain significance (2). Last evaluated 2024-08-22.

Conditions:
Hereditary cancer-predisposing syndrome. Also called: Neoplastic Syndromes, Hereditary; Tumor predisposition; Hereditary Cancer Syndrome; Hereditary neoplastic syndrome. Identifiers: Orphanet 140162, MedGen C0027672, MeSH D009386, MONDO:0015356.

Submissions (2):

Labcorp Genetics (formerly Invitae), Labcorp
Classification: Uncertain significance. Last evaluated: 2024-08-22. Review status: criteria provided, single submitter. Criteria: Invitae Variant Classification Sherloc (09022015). Collection method: clinical testing. Allele origin: germline.
Comment: This sequence change replaces leucine, which is neutral and non-polar, with proline, which is neutral and non-polar, at codon 136 of the NTHL1 protein (p.Leu136Pro). This variant is not present in population databases (gnomAD no frequency). This variant has not been reported in the literature in individuals affected with NTHL1-related conditions. ClinVar contains an entry for this variant (Variation ID: 1737619). An algorithm developed to predict the effect of missense changes on protein structure and function (PolyPhen-2) suggests that this variant is likely to be disruptive. In summary, the available evidence is currently insufficient to determine the role of this variant in disease. Therefore, it has been classified as a Variant of Uncertain Significance.

Ambry Genetics
Classification: Uncertain significance for Hereditary cancer-predisposing syndrome. Last evaluated: 2024-02-02. Review status: criteria provided, single submitter. Criteria: Ambry Variant Classification Scheme 2023. Collection method: clinical testing. Allele origin: germline.
Comment: The p.L136P variant (also known as c.407T>C), located in coding exon 3 of the NTHL1 gene, results from a T to C substitution at nucleotide position 407. The leucine at codon 136 is replaced by proline, an amino acid with similar properties. This amino acid position is highly conserved in available vertebrate species. In addition, this alteration is predicted to be deleterious by in silico analysis. Since supporting evidence is limited at this time, the clinical significance of this alteration remains unclear.